The following is an entry in ClinVar:

NM_002715.4(PPP2CA):c.740G>A (p.Gly247Glu)

Gene: PPP2CA (protein phosphatase 2 catalytic subunit alpha; minus strand). Cytogenetic location: 5q31.1.
Variant type: single nucleotide variant.
Coding change: c.740G>A on transcript NM_002715.4 (MANE Select); coding-DNA position 740, G replaced by A.
Protein change: p.Gly247Glu; replaces glycine 247 with glutamic acid.
Molecular consequence: missense variant. On other transcripts: non-coding transcript variant (1).
Genome position (GRCh38, 1-based): chr5:134,199,203, C>T on the plus strand (G>A on the coding strand, the complement: PPP2CA is on the minus strand). VCF-style: chr5-134199203-C-T. GRCh37 (hg19) VCF-style: chr5-133534894-C-T.
Other names: c.545G>A, p.Gly182Glu (NM_001355019.2); short protein forms G182E, G247E.
Identifiers: ClinVar variation 4886717 (VCV004886717.2).
Genomic context (GRCh38, chr5:134,199,203, plus strand): 5'-TAACAATAGTTTGGAGCACTGAAAATCGTTACTACATTCCGGTCATGGCACCAGTTATAT[C>T]CCTGCAAGGAAAAGGAGACAAAAATCTTACTTTACTCCCTCAATTCAACTAAATGTTACT-3'
Protein context (NP_002706.1, residues 237-257): VSRAHQLVME[Gly247Glu]YNWCHDRNVV

ClinVar aggregate classification (germline): Uncertain significance (1 of 4 stars; one submission).

Submission:

Dasa
Classification: Uncertain significance. Last evaluated: 2025-02-10. Review status: criteria provided, single submitter. Criteria: DASA Assertion Criteria. Collection method: clinical testing. Allele origin: germline.
Comment: NM_002715.4(PPP2CA):c.740G>A (p.Gly247Glu) is a missense variant that results in the substitution of glycine with glutamic acid. This variant is absent from population databases. Computational prediction algorithms are consistent with a deleterious effect. The currently available literature and clinical evidence are not sufficient to establish a definitive association between this variant and the reported condition. Therefore, this variant is classified as a variant of uncertain significance.